The following is an entry in ClinVar:

NM_000179.3(MSH6):c.3013C>A (p.Arg1005=)

Gene: MSH6 (mutS homolog 6; plus strand). Cytogenetic location: 2p16.3.
Variant type: single nucleotide variant.
Coding change: c.3013C>A on transcript NM_000179.3 (MANE Select); coding-DNA position 3013, C replaced by A.
Protein change: p.Arg1005=; no amino-acid change (arginine 1005 retained).
Molecular consequence: synonymous variant.
Genome position (GRCh38, 1-based): chr2:47,800,996, C>A. VCF-style: chr2-47800996-C-A. GRCh37 (hg19) VCF-style: chr2-48028135-C-A.
Other names: c.2623C>A, p.Arg875= (NM_001281492.2); c.2107C>A, p.Arg703= (NM_001281493.2, NM_001281494.2).
Identifiers: ClinVar variation 1108340 (VCV001108340.17), dbSNP rs63750563, ClinGen allele CA426121667.
Genomic context (GRCh38, chr2:47,800,996, plus strand): 5'-TTCACCACTCGCAATTTGCCAGAAGAATACGAGTTGAAATCTACCAAGAAGGGCTGTAAA[C>A]GATACTGGACCAAAACTATTGAAAAGAAGTTGGCTAATCTCATAAATGCTGAAGAACGGA-3'
Protein context (NP_000170.1, residues 995-1015): ELKSTKKGCK[Arg1005=]YWTKTIEKKL

ClinVar aggregate classification (germline): Benign/Likely benign. Review status: criteria provided, multiple submitters, no conflicts (2 of 4 stars). 5 submissions from 5 submitters: Benign (1); Likely benign (3). 1 of the submissions does not count toward it. Last evaluated 2025-01-02.

Conditions:
MSH6-related disorder. Also called: MSH6-related condition; MSH6-Related disorders.
Hereditary nonpolyposis colorectal neoplasms. Identifiers: MedGen C0009405, MeSH D003123.
Hereditary cancer-predisposing syndrome. Also called: Tumor predisposition; Neoplastic Syndromes, Hereditary; Hereditary Cancer Syndrome; Hereditary neoplastic syndrome. Identifiers: Orphanet 140162, MedGen C0027672, MeSH D009386, MONDO:0015356.
Lynch syndrome 5 (LYNCH5). Also called: Colorectal cancer, hereditary nonpolyposis, type 5; Hereditary non-polyposis colorectal cancer, type 5. Identifiers: Orphanet 144, MedGen C1833477, MONDO:0013710, OMIM 614350. Disease mechanism: loss of function.

Allele frequency attached by ClinVar (database versions not stated): TOPMed below 0.00001; gnomAD 0.00001.

Submissions (5):

Myriad Genetics, Inc.
Classification: Benign for Lynch syndrome 5. Last evaluated: 2025-01-02. Review status: criteria provided, single submitter. Criteria: Myriad Autosomal Dominant, Autosomal Recessive and X-Linked Classification Criteria (2023). Collection method: clinical testing. Allele origin: unknown.
Comment: This variant is considered benign. This variant is a silent/synonymous amino acid change and it is not expected to impact splicing.

Labcorp Genetics (formerly Invitae), Labcorp
Classification: Likely benign for Hereditary nonpolyposis colorectal neoplasms. Last evaluated: 2023-02-03. Review status: criteria provided, single submitter. Criteria: Invitae Variant Classification Sherloc (09022015). Collection method: clinical testing. Allele origin: germline.

GeneDx
Classification: Likely benign. Last evaluated: 2018-07-12. Review status: criteria provided, single submitter. Criteria: GeneDx Variant Classification Process June 2021. Collection method: clinical testing. Allele origin: germline. Affected: yes.

Ambry Genetics
Classification: Likely benign for Hereditary cancer-predisposing syndrome. Last evaluated: 2015-10-08. Review status: criteria provided, single submitter. Criteria: Ambry Variant Classification Scheme 2023. Collection method: clinical testing. Allele origin: germline.

PreventionGenetics, part of Exact Sciences
Classification: Likely benign for MSH6-related condition. Last evaluated: 2021-03-04. Review status: no assertion criteria provided. Collection method: clinical testing. Allele origin: germline. Not counted in ClinVar's aggregate classification.
Comment: This variant is classified as likely benign based on ACMG/AMP sequence variant interpretation guidelines (Richards et al. 2015 PMID: 25741868, with internal and published modifications).